The following is an entry in ClinVar:

NM_004700.4(KCNQ4):c.-14G>T

Gene: KCNQ4 (potassium voltage-gated channel subfamily Q member 4; plus strand). Cytogenetic location: 1p34.2.
Variant type: single nucleotide variant.
Coding change: c.-14G>T on transcript NM_004700.4 (MANE Select); 14 bases upstream of the start codon, G replaced by T.
Molecular consequence: 5 prime UTR variant.
Genome position (GRCh38, 1-based): chr1:40,784,080, G>T. VCF-style: chr1-40784080-G-T. GRCh37 (hg19) VCF-style: chr1-41249752-G-T.
Other names: c.-14G>T (NM_172163.3).
Identifiers: ClinVar variation 282152 (VCV000282152.8), dbSNP rs886042324, ClinGen allele CA10604083.

ClinVar aggregate classification (germline): Conflicting classifications of pathogenicity. Review status: criteria provided, conflicting classifications (1 of 4 stars). 3 submissions from 3 submitters: Uncertain significance (1); Likely benign (2). Last evaluated 2024-11-13.

Allele frequency attached by ClinVar (database versions not stated): gnomAD exomes 0.00054; gnomAD 0.00816 and 0.00867; TOPMed 0.00941; 1000 Genomes Project 30x 0.01077.
gnomAD v4.1: 1,281 of 327,832 alleles (0.39%); highest among the groups gnomAD compares: African/African-American, 2.7%; 20 homozygotes.

Submissions (3):

Blueprint Genetics
Classification: Likely benign. Last evaluated: 2024-11-13. Review status: criteria provided, single submitter. Criteria: ACMG Guidelines, 2015. Collection method: clinical testing. Allele origin: germline.

GeneDx
Classification: Likely benign. Last evaluated: 2018-06-04. Review status: criteria provided, single submitter. Criteria: GeneDx Variant Classification (06012015). Collection method: clinical testing. Allele origin: germline. Affected: yes.
Comment: This variant is considered likely benign or benign based on one or more of the following criteria: it is a conservative change, it occurs at a poorly conserved position in the protein, it is predicted to be benign by multiple in silico algorithms, and/or has population frequency not consistent with disease.

Eurofins Ntd Llc (ga)
Classification: Uncertain significance. Last evaluated: 2015-07-23. Review status: criteria provided, single submitter. Criteria: EGL Classification Definitions 2015. Collection method: clinical testing. Allele origin: germline. Observed: 2 variant alleles, 2 heterozygotes.